The following is an entry in ClinVar:

NM_201548.5(CERKL):c.1426A>G (p.Asn476Asp)

Gene: CERKL (CERK like autophagy regulator; minus strand). Cytogenetic location: 2q31.3.
Variant type: single nucleotide variant.
Coding change: c.1426A>G on transcript NM_201548.5 (MANE Select); coding-DNA position 1426, A replaced by G.
Protein change: p.Asn476Asp; replaces asparagine 476 with aspartic acid.
Molecular consequence: missense variant. On other transcripts: non-coding transcript variant (2).
Genome position (GRCh38, 1-based): chr2:181,539,204, T>C on the plus strand (A>G on the coding strand, the complement: CERKL is on the minus strand). VCF-style: chr2-181539204-T-C. GRCh37 (hg19) VCF-style: chr2-182403931-T-C.
Other names: c.1504A>G, p.Asn502Asp (NM_001030311.3); c.1087A>G, p.Asn363Asp (NM_001030312.3); c.1219A>G, p.Asn407Asp (NM_001030313.3); c.*708A>G (NM_001030314.1, NM_001030315.1); c.1372A>G, p.Asn458Asp (NM_001160277.2); short protein forms N363D, N458D, N502D, N407D, N476D.
Identifiers: ClinVar variation 2165801 (VCV002165801.2), dbSNP rs754044223, ClinGen allele CA2010428.
Genomic context (GRCh38, chr2:181,539,204, plus strand): 5'-GGAAACAATTTTCTGAAGCAGTTTCATCCTCCTCCTCCTCTGGATTATATCCACCAGTAT[T>C]ATTCCTTGGATGAACTTTTACTTCCTCAACAGTGTAAGTCTCAACAAATGGAAAATTGAA-3'
Protein context (NP_963842.1, residues 466-486): VEEVKVHPRN[Asn476Asp]TGGYNPEEEE

ClinVar aggregate classification (germline): Uncertain significance. Review status: criteria provided, single submitter (1 of 4 stars). 2 submissions from 2 submitters: Uncertain significance (1). 1 of the submissions does not count toward it. Last evaluated 2022-04-24.

Conditions:
Retinal dystrophy. Also called: Inherited retinal dystrophy. Identifiers: Orphanet 71862, MedGen C0854723, MeSH D058499, MONDO:0019118, HP:0000556.

Allele frequency attached by ClinVar (database versions not stated): TOPMed below 0.00001; ExAC 0.00001; gnomAD exomes 0.00001.
gnomAD v4.1: 14 of 1,606,180 alleles (0.00087%); highest among the groups gnomAD compares: Non-Finnish European, 0.0011%; no homozygotes.

Submissions (2):

Labcorp Genetics (formerly Invitae), Labcorp
Classification: Uncertain significance. Last evaluated: 2022-04-24. Review status: criteria provided, single submitter. Criteria: Invitae Variant Classification Sherloc (09022015). Collection method: clinical testing. Allele origin: germline.
Comment: This sequence change replaces asparagine, which is neutral and polar, with aspartic acid, which is acidic and polar, at codon 502 of the CERKL protein (p.Asn502Asp). This variant is present in population databases (rs754044223, gnomAD 0.003%). This variant has not been reported in the literature in individuals affected with CERKL-related conditions. Algorithms developed to predict the effect of missense changes on protein structure and function (SIFT, PolyPhen-2, Align-GVGD) all suggest that this variant is likely to be tolerated. In summary, the available evidence is currently insufficient to determine the role of this variant in disease. Therefore, it has been classified as a Variant of Uncertain Significance.

Institute of Human Genetics, Univ. Regensburg, Univ. Regensburg
Classification: Uncertain significance for Retinal dystrophy. Last evaluated: 2023-01-01. Review status: no assertion criteria provided. Criteria: ACMG Guidelines, 2015. Collection method: clinical testing. Allele origin: germline. Affected: yes. Not counted in ClinVar's aggregate classification.